The following is an entry in ClinVar:

ClinVar aggregate classification (germline): Uncertain significance (1 of 4 stars; one submission).

Conditions:
Familial hemophagocytic lymphohistiocytosis 2 (FHL2). Also called: PRF1-Related Familial Hemophagocytic Lymphohistiocytosis (PRF1-fHLH). Identifiers: Orphanet 540, MedGen C1863727, MONDO:0011337, OMIM 603553.

Allele frequency attached by ClinVar (database versions not stated): TOPMed below 0.00001; gnomAD 0.00001.

Submission:

Labcorp Genetics (formerly Invitae), Labcorp
Classification: Uncertain significance for Familial hemophagocytic lymphohistiocytosis 2. Last evaluated: 2019-03-13. Review status: criteria provided, single submitter. Criteria: Invitae Variant Classification Sherloc (09022015). Collection method: clinical testing. Allele origin: germline.
Comment: Algorithms developed to predict the effect of missense changes on protein structure and function (SIFT, PolyPhen-2, Align-GVGD) all suggest that this variant is likely to be tolerated, but these predictions have not been confirmed by published functional studies and their clinical significance is uncertain. This variant has not been reported in the literature in individuals with PRF1-related conditions. This variant is not present in population databases (ExAC no frequency). This sequence change replaces aspartic acid with asparagine at codon 120 of the PRF1 protein (p.Asp120Asn). The aspartic acid residue is weakly conserved and there is a small physicochemical difference between aspartic acid and asparagine. In summary, the available evidence is currently insufficient to determine the role of this variant in disease. Therefore, it has been classified as a Variant of Uncertain Significance.

NM_001083116.3(PRF1):c.358G>A (p.Asp120Asn)

Gene: PRF1 (perforin 1; minus strand). Cytogenetic location: 10q22.1.
Variant type: single nucleotide variant.
Coding change: c.358G>A on transcript NM_001083116.3 (MANE Select); coding-DNA position 358, G replaced by A.
Protein change: p.Asp120Asn; replaces aspartic acid 120 with asparagine.
Molecular consequence: missense variant.
Genome position (GRCh38, 1-based): chr10:70,600,545, C>T on the plus strand (G>A on the coding strand, the complement: PRF1 is on the minus strand). VCF-style: chr10-70600545-C-T. GRCh37 (hg19) VCF-style: chr10-72360301-C-T.
Other names: c.358G>A, p.Asp120Asn (NM_005041.6); short protein forms D120N.
Identifiers: ClinVar variation 851984 (VCV000851984.9), dbSNP rs1284583637, ClinGen allele CA376959580.